The following is an entry in ClinVar:

NM_003924.4(PHOX2B):c.119G>C (p.Ser40Thr)

Genes: PHOX2B-AS1 (PHOX2B antisense RNA 1; plus strand), PHOX2B (paired like homeobox 2B; minus strand). Cytogenetic location: 4p13.
Variant type: single nucleotide variant.
Coding change: c.119G>C on transcript NM_003924.4 (MANE Select); coding-DNA position 119, G replaced by C.
Protein change: p.Ser40Thr; replaces serine 40 with threonine.
Molecular consequence: missense variant.
Genome position (GRCh38, 1-based): chr4:41,748,492, C>G on the plus strand (G>C on the coding strand, the complement: PHOX2B is on the minus strand). VCF-style: chr4-41748492-C-G. GRCh37 (hg19) VCF-style: chr4-41750509-C-G.
Other names: short protein forms S40T.
Identifiers: ClinVar variation 2496874 (VCV002496874.2), dbSNP rs2552097184, ClinGen allele CA356741044.

ClinVar aggregate classification (germline): Uncertain significance (1 of 4 stars; one submission).

Conditions:
Hereditary cancer-predisposing syndrome. Also called: Neoplastic Syndromes, Hereditary; Hereditary neoplastic syndrome; Tumor predisposition; Hereditary Cancer Syndrome. Identifiers: Orphanet 140162, MedGen C0027672, MeSH D009386, MONDO:0015356.

Submission:

Ambry Genetics
Classification: Uncertain significance for Hereditary cancer-predisposing syndrome. Last evaluated: 2022-12-07. Review status: criteria provided, single submitter. Criteria: Ambry Variant Classification Scheme 2023. Collection method: clinical testing. Allele origin: germline.
Comment: The p.S40T variant (also known as c.119G>C), located in coding exon 1 of the PHOX2B gene, results from a G to C substitution at nucleotide position 119. The serine at codon 40 is replaced by threonine, an amino acid with similar properties. This amino acid position is conserved. In addition, the in silico prediction for this alteration is inconclusive. Since supporting evidence is limited at this time, the clinical significance of this alteration remains unclear.